The following is an entry in ClinVar:

ClinVar aggregate classification (germline): Conflicting classifications of pathogenicity. Review status: criteria provided, conflicting classifications (1 of 4 stars). 4 submissions from 4 submitters: Uncertain significance (1); Likely benign (2). 1 of the submissions does not count toward it. Last evaluated 2026-02-01.

Conditions:
QDPR-related disorder. Also called: QDPR-related condition.
Dihydropteridine reductase deficiency (HPABH4C). Also called: DHPR DEFICIENCY; BH4-Deficient Hyperphenylalaninemia C; Phenylketonuria II; QDPR DEFICIENCY; QUINOID DIHYDROPTERIDINE REDUCTASE DEFICIENCY; Hyperphenylalaninemia due to dihydropteridine reductase deficiency. Identifiers: Orphanet 226, Orphanet 238583, MedGen C0268465, MONDO:0009862, OMIM 261630.

Allele frequency attached by ClinVar (database versions not stated): ExAC 0.00023; gnomAD exomes 0.00034 and 0.00065; gnomAD 0.00037; TOPMed 0.00050; 1000 Genomes Project 0.00060; 1000 Genomes Project 30x 0.00062; ESP Exome Variant Server 0.00062.
gnomAD v4.1: 1,025 of 1,614,098 alleles (0.064%); highest among the groups gnomAD compares: Non-Finnish European, 0.075%; 2 homozygotes.

Submissions (4):

Labcorp Genetics (formerly Invitae), Labcorp
Classification: Likely benign for Dihydropteridine reductase deficiency. Last evaluated: 2026-02-01. Review status: criteria provided, single submitter. Criteria: Invitae Variant Classification Sherloc (09022015). Collection method: clinical testing. Allele origin: germline.

Blueprint Genetics
Classification: Likely benign. Last evaluated: 2024-11-26. Review status: criteria provided, single submitter. Criteria: ACMG Guidelines, 2015. Collection method: clinical testing. Allele origin: germline.

Illumina Laboratory Services, Illumina
Classification: Uncertain significance for Dihydropteridine reductase deficiency. Last evaluated: 2017-04-27. Review status: criteria provided, single submitter. Criteria: ICSL Variant Classification Criteria 13 December 2019. Collection method: clinical testing. Allele origin: germline.

PreventionGenetics, part of Exact Sciences
Classification: Likely benign for QDPR-related condition. Last evaluated: 2020-02-07. Review status: no assertion criteria provided. Collection method: clinical testing. Allele origin: germline. Not counted in ClinVar's aggregate classification.
Comment: This variant is classified as likely benign based on ACMG/AMP sequence variant interpretation guidelines (Richards et al. 2015 PMID: 25741868, with internal and published modifications).

NM_000320.3(QDPR):c.450C>T (p.Tyr150=)

Gene: QDPR (quinoid dihydropteridine reductase; minus strand). Cytogenetic location: 4p15.32.
Variant type: single nucleotide variant.
Coding change: c.450C>T on transcript NM_000320.3 (MANE Select); coding-DNA position 450, C replaced by T.
Protein change: p.Tyr150=; no amino-acid change (tyrosine 150 retained).
Molecular consequence: synonymous variant.
Genome position (GRCh38, 1-based): chr4:17,492,327, G>A on the plus strand (C>T on the coding strand, the complement: QDPR is on the minus strand). VCF-style: chr4-17492327-G-A. GRCh37 (hg19) VCF-style: chr4-17493950-G-A.
Other names: c.357C>T, p.Tyr119= (NM_001306140.2).
Identifiers: ClinVar variation 529411 (VCV000529411.18), dbSNP rs140949360, ClinGen allele CA2868097.